The following is an entry in ClinVar:

NM_015272.5(RPGRIP1L):c.2891del (p.Pro964fs)

Gene: RPGRIP1L (RPGRIP1 like; minus strand). Cytogenetic location: 16q12.2.
Variant type: Deletion.
Coding change: c.2891del on transcript NM_015272.5 (MANE Select); coding-DNA position 2891, one base deleted (C; older notation c.2891delC).
Protein change: p.Pro964fs; shifts the reading frame from proline 964.
Molecular consequence: frameshift variant.
Genome position (GRCh38, 1-based): chr16:53,641,100, G deleted on the plus strand (C on the coding strand, the reverse complement: RPGRIP1L is on the minus strand); the first of 2 consecutive G bases (chr16:53,641,100-53,641,101); deleting either gives the same sequence. VCF-style (leftmost placement, unchanged base first): chr16-53641099-TG-T. GRCh37 (hg19) VCF-style: chr16-53675011-TG-T.
Other names: c.2891del, p.Pro964fs (NM_001127897.4, NM_001308334.3, NM_001330538.2); short protein forms P964fs.
Identifiers: ClinVar variation 2584957 (VCV002584957.1), dbSNP rs2544039763, ClinGen allele CA2582342520.

ClinVar aggregate classification (germline): Likely pathogenic (1 of 4 stars; one submission).

Conditions:
Joubert syndrome 7 (JBTS7). Identifiers: Orphanet 220497, MedGen C1969053, MONDO:0012694, OMIM 611560.

Submission:

Neuberg Centre For Genomic Medicine, NCGM
Classification: Likely pathogenic for Joubert syndrome 7. Review status: criteria provided, single submitter. Criteria: ACMG Guidelines, 2015. Collection method: clinical testing. Allele origin: germline. Inheritance: Autosomal recessive inheritance. Affected: yes.
Comment: The frame shift (c.2891del) variant has not been reported previously as a pathogenic variant nor as a benign variant, to our knowledge. The p.Pro964GlnfsTer5 variant is novel (not in any individuals) in gnomAD Exomes and 1000 Genomes. This variant causes a frameshift starting with codon Proline 964, changes this amino acid to Glutamine residue, and creates a premature Stop codon at position 5 of the new reading frame, denoted p.Pro964GlnfsTer5. This variant is predicted to cause loss of normal protein function through protein truncation. Loss of function variants have been previously reported to be disease causing. For these reasons, this variant has been classified as Likely Pathogenic.